The following is an entry in ClinVar:

NM_025137.4(SPG11):c.3244C>T (p.Leu1082Phe)

Gene: SPG11 (SPG11 vesicle trafficking associated, spatacsin; minus strand). Cytogenetic location: 15q21.1.
Variant type: single nucleotide variant.
Coding change: c.3244C>T on transcript NM_025137.4 (MANE Select); coding-DNA position 3244, C replaced by T.
Protein change: p.Leu1082Phe; replaces leucine 1082 with phenylalanine.
Molecular consequence: missense variant.
Genome position (GRCh38, 1-based): chr15:44,610,887, G>A on the plus strand (C>T on the coding strand, the complement: SPG11 is on the minus strand). VCF-style: chr15-44610887-G-A. GRCh37 (hg19) VCF-style: chr15-44903085-G-A.
Other names: c.3244C>T, p.Leu1082Phe (NM_001160227.2, NM_001411132.1); short protein forms L1082F.
Identifiers: ClinVar variation 1729331 (VCV001729331.2), dbSNP rs1183035882, ClinGen allele CA392226553.

ClinVar aggregate classification (germline): Uncertain significance (1 of 4 stars; one submission).

Conditions:
Inborn genetic diseases. Identifiers: MedGen C0950123, MeSH D030342.

gnomAD v4.1: 6 of 1,613,912 alleles (0.00037%); highest among the groups gnomAD compares: South Asian, 0.0055%; no homozygotes.

Submission:

Ambry Genetics
Classification: Uncertain significance for Inborn genetic diseases. Last evaluated: 2020-03-02. Review status: criteria provided, single submitter. Criteria: Ambry Variant Classification Scheme 2023. Collection method: clinical testing. Allele origin: germline.
Comment: The p.L1082F variant (also known as c.3244C>T), located in coding exon 18 of the SPG11 gene, results from a C to T substitution at nucleotide position 3244. The leucine at codon 1082 is replaced by phenylalanine, an amino acid with highly similar properties. This amino acid position is well conserved in available vertebrate species. In addition, this alteration is predicted to be tolerated by in silico analysis. Since supporting evidence is limited at this time, the clinical significance of this alteration remains unclear.